The following is an entry in ClinVar:

NM_007118.4(TRIO):c.6931G>A (p.Gly2311Ser)

Gene: TRIO (trio Rho guanine nucleotide exchange factor; plus strand). Cytogenetic location: 5p15.2.
Variant type: single nucleotide variant.
Coding change: c.6931G>A on transcript NM_007118.4 (MANE Select); coding-DNA position 6931, G replaced by A.
Protein change: p.Gly2311Ser; replaces glycine 2311 with serine.
Molecular consequence: missense variant. On other transcripts: non-coding transcript variant (1).
Genome position (GRCh38, 1-based): chr5:14,487,559, G>A. VCF-style: chr5-14487559-G-A. GRCh37 (hg19) VCF-style: chr5-14487668-G-A.
Other names: c.6931G>A (NM_007118.3); short protein forms G2311S.
Identifiers: ClinVar variation 1683969 (VCV001683969.4), dbSNP rs1009798604, ClinGen allele CA114003711.

ClinVar aggregate classification (germline): Uncertain significance. Review status: criteria provided, multiple submitters, no conflicts (2 of 4 stars). 3 submissions from 3 submitters: Uncertain significance (3). Last evaluated 2024-05-20.

Conditions:
Inborn genetic diseases. Identifiers: MedGen C0950123, MeSH D030342.
TRIO-related disorder. Also called: TRIO-related condition; TRIO-related disorders.

Allele frequency attached by ClinVar (database versions not stated): gnomAD 0.00002; gnomAD exomes 0.00003; TOPMed 0.00003.
gnomAD v4.1: 29 of 1,101,546 alleles (0.0026%); highest among the groups gnomAD compares: Admixed American, 0.0053%; no homozygotes.

Submissions (3):

Ambry Genetics
Classification: Uncertain significance for Inborn genetic diseases. Last evaluated: 2024-05-20. Review status: criteria provided, single submitter. Criteria: Ambry Variant Classification Scheme 2023. Collection method: clinical testing. Allele origin: germline.

PreventionGenetics, part of Exact Sciences
Classification: Uncertain significance for TRIO-related condition. Last evaluated: 2023-09-11. Review status: criteria provided, single submitter. Criteria: ACMG Guidelines, 2015. Collection method: clinical testing. Allele origin: germline.
Comment: The TRIO c.6931G>A variant is predicted to result in the amino acid substitution p.Gly2311Ser. To our knowledge, this variant has not been reported in the literature or in a large population database, indicating this variant is rare. At this time, the clinical significance of this variant is uncertain due to the absence of conclusive functional and genetic evidence.

GeneDx
Classification: Uncertain significance. Last evaluated: 2022-04-28. Review status: criteria provided, single submitter. Criteria: GeneDx Variant Classification Process June 2021. Collection method: clinical testing. Allele origin: germline. Affected: yes.
Comment: Not observed at significant frequency in large population cohorts (gnomAD); In silico analysis supports that this missense variant does not alter protein structure/function; Has not been previously published as pathogenic or benign to our knowledge